The following is an entry in ClinVar:

NM_018139.3(DNAAF2):c.1291C>G (p.Arg431Gly)

Genes: DNAAF2 (dynein axonemal assembly factor 2; minus strand), LOC130055542 (ATAC-STARR-seq lymphoblastoid silent region 5699; plus strand). Cytogenetic location: 14q21.3.
Variant type: single nucleotide variant.
Coding change: c.1291C>G on transcript NM_018139.3 (MANE Select); coding-DNA position 1291, C replaced by G.
Protein change: p.Arg431Gly; replaces arginine 431 with glycine.
Molecular consequence: missense variant. On other transcripts: 5 prime UTR variant (1).
Genome position (GRCh38, 1-based): chr14:49,633,859, G>C on the plus strand (C>G on the coding strand, the complement: DNAAF2 is on the minus strand). VCF-style: chr14-49633859-G-C. GRCh37 (hg19) VCF-style: chr14-50100577-G-C.
Other names: c.1291C>G, p.Arg431Gly (NM_001083908.2); c.-581C>G (NM_001378453.1); c.1291C>G (NM_018139.2); short protein forms R431G.
Identifiers: ClinVar variation 3667738 (VCV003667738.2).
Genomic context (GRCh38, chr14:49,633,859, plus strand): 5'-CGCTGCCCGGCGGTGACCCCGCGTGCCTGCTCAAGTCCTGCTCCCCCGGCTTGGGGACAC[G>C]CTCCTCTCCAGCTGCGGCCGGCGGAGGCGCCACCTCCGGGTCGCCCAGGGTGGTGACCCC-3'
Protein context (NP_060609.2, residues 421-441): APPPAAAGEE[Arg431Gly]VPKPGEQDLS

ClinVar aggregate classification (germline): Uncertain significance. Review status: criteria provided, multiple submitters, no conflicts (2 of 4 stars). 2 submissions from 2 submitters: Uncertain significance (2). Last evaluated 2024-12-17.

Conditions:
Primary ciliary dyskinesia. Also called: Ciliary dyskinesia. Identifiers: Orphanet 244, MedGen C0008780, MONDO:0016575, HP:0012265.

gnomAD v4.1: 6 of 1,550,752 alleles (0.00039%); highest among the groups gnomAD compares: African/African-American, 0.0041%; no homozygotes.

Submissions (2):

Ambry Genetics
Classification: Uncertain significance for Primary ciliary dyskinesia. Last evaluated: 2024-12-17. Review status: criteria provided, single submitter. Criteria: Ambry Variant Classification Scheme 2023. Collection method: clinical testing. Allele origin: germline.

Labcorp Genetics (formerly Invitae), Labcorp
Classification: Uncertain significance for Primary ciliary dyskinesia. Last evaluated: 2024-11-05. Review status: criteria provided, single submitter. Criteria: Invitae Variant Classification Sherloc (09022015). Collection method: clinical testing. Allele origin: germline.
Comment: This sequence change replaces arginine, which is basic and polar, with glycine, which is neutral and non-polar, at codon 431 of the DNAAF2 protein (p.Arg431Gly). This variant is present in population databases (no rsID available, gnomAD 0.01%). This variant has not been reported in the literature in individuals affected with DNAAF2-related conditions. An algorithm developed to predict the effect of missense changes on protein structure and function (PolyPhen-2) suggests that this variant¬†is likely to be tolerated. In summary, the available evidence is currently insufficient to determine the role of this variant in disease. Therefore, it has been classified as a Variant of Uncertain Significance.